The following is an entry in ClinVar:

NM_016222.4(DDX41):c.1771C>T (p.Arg591Trp)

Gene: DDX41 (DEAD-box helicase 41; minus strand). Cytogenetic location: 5q35.3.
Variant type: single nucleotide variant.
Coding change: c.1771C>T on transcript NM_016222.4 (MANE Select); coding-DNA position 1771, C replaced by T.
Protein change: p.Arg591Trp; replaces arginine 591 with tryptophan.
Molecular consequence: missense variant.
Genome position (GRCh38, 1-based): chr5:177,511,889, G>A on the plus strand (C>T on the coding strand, the complement: DDX41 is on the minus strand). VCF-style: chr5-177511889-G-A. GRCh37 (hg19) VCF-style: chr5-176938890-G-A.
Other names: c.1393C>T, p.Arg465Trp (NM_001321732.2, NM_001321830.2); short protein forms R591W, R465W.
Identifiers: ClinVar variation 4238787 (VCV004238787.1).
Genomic context (GRCh38, chr5:177,511,889, plus strand): 5'-GACCGATGTTGCTGACCTGCTTGGTCTGCATAGCCTCGAGTTTGGGGCAGTCAGTGATCC[G>A]ATGACCCAGGCCCCCGCAGAAGGCACAGCCGCGCTCTCCTGGGGGAATGGGGACAGGGGT-3'
Protein context (NP_057306.2, residues 581-601): GCAFCGGLGH[Arg591Trp]ITDCPKLEAM

ClinVar aggregate classification (germline): Uncertain significance (1 of 4 stars; one submission).

Conditions:
Inborn genetic diseases. Identifiers: MedGen C0950123, MeSH D030342.

gnomAD v4.1: 1 of 1,614,088 alleles (0.000062%); highest among the groups gnomAD compares: South Asian, 0.0011%; no homozygotes.

Submission:

Ambry Genetics
Classification: Uncertain significance for Inborn genetic diseases. Last evaluated: 2025-08-13. Review status: criteria provided, single submitter. Criteria: Ambry Variant Classification Scheme 2023. Collection method: clinical testing. Allele origin: germline.
Comment: The p.R591W variant (also known as c.1771C>T), located in coding exon 17 of the DDX41 gene, results from a C to T substitution at nucleotide position 1771. The arginine at codon 591 is replaced by tryptophan, an amino acid with dissimilar properties. This amino acid position is highly conserved in available vertebrate species. In addition, the in silico prediction for this alteration is inconclusive. Based on the available evidence, the clinical significance of this variant remains unclear.